The following is an entry in ClinVar:

ClinVar aggregate classification (germline): Uncertain significance (1 of 4 stars; one submission).

Allele frequency attached by ClinVar (database versions not stated): gnomAD 0.00002; TOPMed 0.00002.

Submission:

Athena Diagnostics
Classification: Uncertain significance. Last evaluated: 2023-07-25. Review status: criteria provided, single submitter. Criteria: Athena Diagnostics Criteria. Collection method: clinical testing. Allele origin: unknown.
Comment: Available data are insufficient to determine the clinical significance of the variant at this time. The frequency of this variant in the general population is uninformative in assessment of its pathogenicity. Computational tools yielded predictions that this variant is unlikely to have an effect on normal RNA splicing.

NM_015046.7(SETX):c.*2A>G

Gene: SETX (senataxin; minus strand). Cytogenetic location: 9q34.13.
Variant type: single nucleotide variant.
Coding change: c.*2A>G on transcript NM_015046.7 (MANE Select); 2 bases downstream of the stop codon, A replaced by G.
Molecular consequence: 3 prime UTR variant.
Genome position (GRCh38, 1-based): chr9:132,264,237, T>C on the plus strand (A>G on the coding strand, the complement: SETX is on the minus strand). VCF-style: chr9-132264237-T-C. GRCh37 (hg19) VCF-style: chr9-135139624-T-C.
Other names: c.*2A>G (NM_001351527.2, NM_001351528.2).
Identifiers: ClinVar variation 2684364 (VCV002684364.1), dbSNP rs1227559043, ClinGen allele CA860601164.